The following is an entry in ClinVar:

ClinVar aggregate classification (germline): Uncertain significance (1 of 4 stars; one submission).

Conditions:
Inborn genetic diseases. Identifiers: MedGen C0950123, MeSH D030342.

Submission:

Ambry Genetics
Classification: Uncertain significance for Inborn genetic diseases. Last evaluated: 2024-12-09. Review status: criteria provided, single submitter. Criteria: Ambry Variant Classification Scheme 2023. Collection method: clinical testing. Allele origin: germline.
Comment: The p.V768M variant (also known as c.2302G>A), located in coding exon 14 of the RECQL4 gene, results from a G to A substitution at nucleotide position 2302. The valine at codon 768 is replaced by methionine, an amino acid with highly similar properties. This amino acid position is conserved. Based on the available evidence, the clinical significance of this variant remains unclear.

NM_004260.4(RECQL4):c.2302G>A (p.Val768Met)

Gene: RECQL4 (RecQ like helicase 4; minus strand). Cytogenetic location: 8q24.3.
Variant type: single nucleotide variant.
Coding change: c.2302G>A on transcript NM_004260.4 (MANE Select); coding-DNA position 2302, G replaced by A.
Protein change: p.Val768Met; replaces valine 768 with methionine.
Molecular consequence: missense variant. On other transcripts: non-coding transcript variant (3), intron variant (3).
Genome position (GRCh38, 1-based): chr8:144,513,379, C>T on the plus strand (G>A on the coding strand, the complement: RECQL4 is on the minus strand). VCF-style: chr8-144513379-C-T. GRCh37 (hg19) VCF-style: chr8-145738762-C-T.
Other names: c.2302G>A, p.Val768Met (NM_001413019.1, NM_001413036.1); c.2206G>A, p.Val736Met (NM_001413020.1); c.1231G>A, p.Val411Met (NM_001413021.1, NM_001413022.1, NM_001413023.1 and 5 more transcripts); c.2173G>A, p.Val725Met (NM_001413025.1); c.1165G>A, p.Val389Met (NM_001413027.1, NM_001413030.1, NM_001413032.1 and 1 more transcripts); c.1951G>A, p.Val651Met (NM_001413029.1); c.1033G>A, p.Val345Met (NM_001413031.1); c.2170G>A, p.Val724Met (NM_001413033.1); and 7 more; short protein forms V367M, V724M, V758M, V651M, V736M, V279M, V401M, V345M.
Identifiers: ClinVar variation 3431927 (VCV003431927.1).